The following is an entry in ClinVar:

NM_172107.4(KCNQ2):c.315C>T (p.Ser105=)

Gene: KCNQ2 (potassium voltage-gated channel subfamily Q member 2; minus strand). Cytogenetic location: 20q13.33.
Variant type: single nucleotide variant.
Coding change: c.315C>T on transcript NM_172107.4 (MANE Select); coding-DNA position 315, C replaced by T.
Protein change: p.Ser105=; no amino-acid change (serine 105 retained).
Molecular consequence: synonymous variant.
Genome position (GRCh38, 1-based): chr20:63,446,819, G>A on the plus strand (C>T on the coding strand, the complement: KCNQ2 is on the minus strand). VCF-style: chr20-63446819-G-A. GRCh37 (hg19) VCF-style: chr20-62078172-G-A.
Other names: c.315C>T, p.Ser105= (NM_004518.6, NM_172106.3, NM_172108.5 and 1 more transcripts).
Identifiers: ClinVar variation 697803 (VCV000697803.44), dbSNP rs200224824, ClinGen allele CA9958859.
Genomic context (GRCh38, chr20:63,446,819, plus strand): 5'-GGCCCCCTCCGAGCTCTTCTCATACTCCTTGATGGTGGAAAACACAGACAGCACGAGGCA[G>A]GAGAAAACCAGGAGGAACCTGGGGGCAGGGAACGCGCGCTCTCAGACAGGCCGCAGCAGG-3'
Protein context (NP_742105.1, residues 95-115): YHAYVFLLVF[Ser105=]CLVLSVFSTI

ClinVar aggregate classification (germline): Benign/Likely benign. Review status: criteria provided, multiple submitters, no conflicts (2 of 4 stars). 4 submissions from 4 submitters: Benign (1); Likely benign (3). Last evaluated 2026-01-14.

Conditions:
Early-infantile DEE. Also called: Ohtahara syndrome; Early infantile epileptic encephalopathy with suppression bursts; Early infantile epileptic encephalopathy. Identifiers: Orphanet 1934, MedGen C0393706, MONDO:0800491.

Allele frequency attached by ClinVar (database versions not stated): ExAC 0.00002; gnomAD exomes 0.00002 and 0.00004; gnomAD 0.00003 and 0.00004; TOPMed 0.00006.
gnomAD v4.1: 62 of 1,613,594 alleles (0.0038%); highest among the groups gnomAD compares: Middle Eastern, 0.33%; no homozygotes.

Submissions (4):

Labcorp Genetics (formerly Invitae), Labcorp
Classification: Likely benign for Early-infantile DEE. Last evaluated: 2026-01-14. Review status: criteria provided, single submitter. Criteria: Invitae Variant Classification Sherloc (09022015). Collection method: clinical testing. Allele origin: germline.

CeGaT Center for Human Genetics Tuebingen
Classification: Likely benign. Last evaluated: 2025-08-01. Review status: criteria provided, single submitter. Criteria: CeGaT Center For Human Genetics Tuebingen Variant Classification Criteria Version 2. Collection method: clinical testing. Allele origin: germline. Affected: yes. Observed: 2 variant alleles.
Comment: KCNQ2: BP4, BP7

Blueprint Genetics
Classification: Likely benign. Last evaluated: 2024-06-07. Review status: criteria provided, single submitter. Criteria: ACMG Guidelines, 2015. Collection method: clinical testing. Allele origin: germline.

GeneDx
Classification: Benign. Last evaluated: 2015-04-02. Review status: criteria provided, single submitter. Criteria: GeneDx Variant Classification Process June 2021. Collection method: clinical testing. Allele origin: germline. Affected: yes.